The following is an entry in ClinVar:

ClinVar aggregate classification (germline): Uncertain significance (1 of 4 stars; one submission).

Conditions:
PLXNA1-related disorder. Also called: PLXNA1-related condition.

Submission:

PreventionGenetics, part of Exact Sciences
Classification: Uncertain significance for PLXNA1-related condition. Last evaluated: 2026-05-18. Review status: criteria provided, single submitter. Criteria: ACMG Guidelines, 2015. Collection method: clinical testing. Allele origin: germline.
Comment: The PLXNA1 c.880T>C variant is predicted to result in the amino acid substitution p.Ser294Pro. To our knowledge, this variant has not been reported in the literature or in a large population database (gnomAD), indicating this variant is rare. At this time, the clinical significance of this variant is uncertain due to the absence of conclusive functional and genetic evidence.

NM_032242.4(PLXNA1):c.880T>C (p.Ser294Pro)

Gene: PLXNA1 (plexin A1; plus strand). Cytogenetic location: 3q21.3.
Variant type: single nucleotide variant.
Coding change: c.880T>C on transcript NM_032242.4 (MANE Select); coding-DNA position 880, T replaced by C.
Protein change: p.Ser294Pro; replaces serine 294 with proline.
Molecular consequence: missense variant.
Genome position (GRCh38, 1-based): chr3:126,989,473, T>C. VCF-style: chr3-126989473-T-C. GRCh37 (hg19) VCF-style: chr3-126708316-T-C.
Other names: short protein forms S294P.
Identifiers: ClinVar variation 4996044 (VCV004996044.1).